The following is an entry in ClinVar:

NM_001098816.3(TENM4):c.4603A>C (p.Lys1535Gln)

Gene: TENM4 (teneurin transmembrane protein 4; minus strand). Cytogenetic location: 11q14.1.
Variant type: single nucleotide variant.
Coding change: c.4603A>C on transcript NM_001098816.3 (MANE Select); coding-DNA position 4603, A replaced by C.
Protein change: p.Lys1535Gln; replaces lysine 1535 with glutamine.
Molecular consequence: missense variant.
Genome position (GRCh38, 1-based): chr11:78,702,010, T>G on the plus strand (A>C on the coding strand, the complement: TENM4 is on the minus strand). VCF-style: chr11-78702010-T-G. GRCh37 (hg19) VCF-style: chr11-78413055-T-G.
Other names: p.Lys1535Gln; short protein forms K1535Q.
Identifiers: ClinVar variation 3030838 (VCV003030838.3), dbSNP rs770111861, ClinGen allele CA6206774.

ClinVar aggregate classification (germline): Uncertain significance. Review status: criteria provided, single submitter (1 of 4 stars). 2 submissions from 2 submitters: Uncertain significance (1). 1 of the submissions does not count toward it. Last evaluated 2025-09-24.

Conditions:
TENM4-related disorder. Also called: TENM4-related condition.

Allele frequency attached by ClinVar (database versions not stated): gnomAD 0.00007; ExAC 0.00006; gnomAD exomes 0.00011; TOPMed 0.00009.
gnomAD v4.1: 165 of 1,613,808 alleles (0.01%); highest among the groups gnomAD compares: Admixed American, 0.03%; no homozygotes.

Submissions (2):

Mayo Clinic Laboratories, Mayo Clinic
Classification: Uncertain significance. Last evaluated: 2025-09-24. Review status: criteria provided, single submitter. Criteria: ACMG Guidelines, 2015. Collection method: clinical testing. Allele origin: germline. Observed: 1 variant allele.

PreventionGenetics, part of Exact Sciences
Classification: Uncertain significance for TENM4-related condition. Last evaluated: 2024-01-18. Review status: no assertion criteria provided. Collection method: clinical testing. Allele origin: germline. Not counted in ClinVar's aggregate classification.
Comment: The TENM4 c.4603A>C variant is predicted to result in the amino acid substitution p.Lys1535Gln. This variant was reported in an individual with essential tremor (Hor et al 2015. PubMed ID: 26188006). This variant is reported in 0.031% of alleles in individuals of Latino descent in gnomAD. At this time, the clinical significance of this variant is uncertain due to the absence of conclusive functional and genetic evidence.

Literature cited by the submitters: PubMed 26188006 (cited by Mayo Clinic Laboratories, Mayo Clinic).